The following is an entry in ClinVar:

NM_006348.5(COG5):c.1853+1G>T

Gene: COG5 (component of oligomeric golgi complex 5; minus strand). Cytogenetic location: 7q22.3.
Variant type: single nucleotide variant.
Coding change: c.1853+1G>T on transcript NM_006348.5 (MANE Select); the canonical splice donor site of the intron after coding-DNA position 1853, G replaced by T.
Molecular consequence: splice donor variant.
Genome position (GRCh38, 1-based): chr7:107,248,395, C>A on the plus strand (G>T on the coding strand, the complement: COG5 is on the minus strand). VCF-style: chr7-107248395-C-A. GRCh37 (hg19) VCF-style: chr7-106888840-C-A.
Other names: c.1139+1G>T (NM_001379516.1); c.1283+1G>T (NM_001379515.1); c.1691+1G>T (NM_001379511.1); c.1679+1G>T (NM_001379512.1); c.1790+1G>T (NM_181733.4); c.1853+1G>T (NM_001379514.1, NM_001379513.1, NM_001161520.2).
Identifiers: ClinVar variation 3648505 (VCV003648505.2).
Genomic context (GRCh38, chr7:107,248,395, plus strand): 5'-GAGGTGGGAATACAAAATAAAGGCAGTAAAAGTTAGTAAAAATTTGGTTAGAAGTAATTA[C>A]CCAGAAAAGTCTTCTTGATGCATGGTGATGATTATGGCCTCTATAGCATCTCCCACAGAA-3'

ClinVar aggregate classification (germline): Likely pathogenic (1 of 4 stars; one submission).

Conditions:
COG5-congenital disorder of glycosylation. Also called: CONGENITAL DISORDER OF GLYCOSYLATION, TYPE IIi; COG5-CDG; CDG IIi. Identifiers: Orphanet 263487, MedGen C3150876, MONDO:0013325, OMIM 613612.

Submission:

Labcorp Genetics (formerly Invitae), Labcorp
Classification: Likely pathogenic for COG5-congenital disorder of glycosylation. Last evaluated: 2025-10-02. Review status: criteria provided, single submitter. Criteria: Invitae Variant Classification Sherloc (09022015). Collection method: clinical testing. Allele origin: germline.
Comment: This sequence change affects a donor splice site in intron 17 of the COG5 gene. It is expected to disrupt RNA splicing. Variants that disrupt the donor or acceptor splice site typically lead to a loss of protein function (PMID: 16199547), and loss-of-function variants in COG5 are known to be pathogenic (PMID: 23228021). This variant is not present in population databases (gnomAD no frequency). This variant has not been reported in the literature in individuals affected with COG5-related conditions. ClinVar contains an entry for this variant (Variation ID: 3648505). Algorithms developed to predict the effect of sequence changes on RNA splicing suggest that this variant may disrupt the consensus splice site. In summary, the currently available evidence indicates that the variant is pathogenic, but additional data are needed to prove that conclusively. Therefore, this variant has been classified as Likely Pathogenic.

Literature cited by the submitters: PubMed 16199547; PubMed 23228021.